The following is an entry in ClinVar:

NM_000059.4(BRCA2):c.9862dup (p.Thr3288fs)

Gene: BRCA2 (BRCA2 DNA repair associated; plus strand). Cytogenetic location: 13q13.1.
Variant type: Duplication.
Coding change: c.9862dup on transcript NM_000059.4 (MANE Select); coding-DNA position 9862, one base duplicated (A; older notation c.9862dupA).
Protein change: p.Thr3288fs; shifts the reading frame from threonine 3288.
Molecular consequence: frameshift variant.
Genome position (GRCh38, 1-based): chr13:32,398,375, A duplicated. VCF-style (leftmost placement, unchanged base first): chr13-32398374-T-TA. GRCh37 (hg19) VCF-style: chr13-32972511-T-TA.
Other names: c.9766dup, p.Thr3256Asnfs (NM_001406719.1); c.3445dup, p.Thr1149Asnfs (NM_001406722.1); c.9811dup, p.Thr3271Asnfs (NM_001406720.1); c.4930dup, p.Thr1644Asnfs (NM_001406721.1); c.9862dupA (NM_000059.3); short protein forms T3288fs.
Identifiers: ClinVar variation 1768430 (VCV001768430.2), dbSNP rs2548564995, ClinGen allele CA2580087465.

ClinVar aggregate classification (germline): Uncertain significance (1 of 4 stars; one submission).

Conditions:
Hereditary cancer-predisposing syndrome. Also called: Hereditary Cancer Syndrome; Hereditary neoplastic syndrome; Neoplastic Syndromes, Hereditary; Tumor predisposition. Identifiers: Orphanet 140162, MedGen C0027672, MeSH D009386, MONDO:0015356.

Submission:

Ambry Genetics
Classification: Uncertain significance for Hereditary cancer-predisposing syndrome. Last evaluated: 2022-03-09. Review status: criteria provided, single submitter. Criteria: Ambry Variant Classification Scheme 2023. Collection method: clinical testing. Allele origin: germline.
Comment: The c.9862dupA variant, located in coding exon 26 of the BRCA2 gene, results from a duplication of A at nucleotide position 9862, causing a translational frameshift with a predicted alternate stop codon (p.T3288Nfs*39). Premature stop codons are typically deleterious in nature, however the pathogenicity of this alteration is not certain as the predicted alternate stop codon is located downstream to the last known pathogenic BRCA2 truncating mutation (p.Y3308*) and at the same codon as a known BRCA2 polymorphic nonsense alteration (p.K3326*) (Kuzenetsov S et al. Nat Med. 2008;14(8):875-81; Mazoyer S et al. Nat Genet. 1996;14(3):253&ndash;254). Since supporting evidence is limited at this time, the clinical significance of this alteration remains unclear.